The following is an entry in ClinVar:

ClinVar aggregate classification (germline): Uncertain significance. Review status: criteria provided, multiple submitters, no conflicts (2 of 4 stars). 2 submissions from 2 submitters: Uncertain significance (2). Last evaluated 2022-03-11.

Conditions:
Pseudohypoaldosteronism type 2B (PHA2B). Also called: Pseudohypoaldosteronism Type IIB. Identifiers: Orphanet 757, Orphanet 88939, MedGen C1840390, MONDO:0013777, OMIM 614491.

Allele frequency attached by ClinVar (database versions not stated): ExAC 0.00002; gnomAD 0.00005 and 0.00006; TOPMed 0.00005; ESP Exome Variant Server 0.00008.
gnomAD v4.1: 38 of 1,613,098 alleles (0.0024%); highest among the groups gnomAD compares: African/African-American, 0.015%; no homozygotes.

Submissions (2):

Fulgent Genetics
Classification: Uncertain significance for Pseudohypoaldosteronism type 2B. Last evaluated: 2022-03-11. Review status: criteria provided, single submitter. Criteria: ACMG Guidelines, 2015. Collection method: clinical testing. Allele origin: unknown.

Johns Hopkins Genomics, Johns Hopkins University
Classification: Uncertain significance for Pseudohypoaldosteronism type 2B. Last evaluated: 2019-08-26. Review status: criteria provided, single submitter. Criteria: ACMG Guidelines, 2015. Collection method: clinical testing. Allele origin: germline.
Comment: This WNK4 variant (rs367768336) is rare (<0.1%) in large population datasets (gnomAD: 7/282652 total alleles; 0.002477%; no homozygotes). Additionally, c.2009G>A has not been reported in the literature, to our knowledge. The arginine residue at this position is evolutionairly conserved across mammals and the higher order species assessed. Of three bioinformatics tools queried, two predict that the substitution would be damaging, while one predicts that it would be tolerated. Due to insufficient evidence that this variant is deleterious, the clinical significance of c.17060C>G is uncertain at this time.

NM_032387.5(WNK4):c.2009G>A (p.Arg670His)

Gene: WNK4 (WNK lysine deficient protein kinase 4; plus strand). Cytogenetic location: 17q21.2.
Variant type: single nucleotide variant.
Coding change: c.2009G>A on transcript NM_032387.5 (MANE Select); coding-DNA position 2009, G replaced by A.
Protein change: p.Arg670His; replaces arginine 670 with histidine.
Molecular consequence: missense variant.
Genome position (GRCh38, 1-based): chr17:42,788,376, G>A. VCF-style: chr17-42788376-G-A. GRCh37 (hg19) VCF-style: chr17-40940394-G-A.
Other names: c.1001G>A, p.Arg334His (NM_001321299.2); short protein forms R334H, R670H.
Identifiers: ClinVar variation 693993 (VCV000693993.2), dbSNP rs367768336, ClinGen allele CA8584182.